The following is an entry in ClinVar:

NM_032043.3(BRIP1):c.3260A>G (p.Asn1087Ser)

Gene: BRIP1 (BRCA1 interacting DNA helicase 1; minus strand). Cytogenetic location: 17q23.2.
Variant type: single nucleotide variant.
Coding change: c.3260A>G on transcript NM_032043.3 (MANE Select); coding-DNA position 3260, A replaced by G.
Protein change: p.Asn1087Ser; replaces asparagine 1087 with serine.
Molecular consequence: missense variant.
Genome position (GRCh38, 1-based): chr17:61,683,786, T>C on the plus strand (A>G on the coding strand, the complement: BRIP1 is on the minus strand). VCF-style: chr17-61683786-T-C. GRCh37 (hg19) VCF-style: chr17-59761147-T-C.
Other names: short protein forms N1087S.
Identifiers: ClinVar variation 185240 (VCV000185240.20), dbSNP rs786202024, ClinGen allele CA191419.
Genomic context (GRCh38, chr17:61,683,786, plus strand): 5'-AGAGACAATTCAATGTCTGGATCCAGGGCTTCTTCAGAACAGAGCGGATGTTCAGAATGA[T>C]TTTTTCTAGTAAGGGTGGCATCAATCTTTAATGATGAAATAATGGTTTCTGATTGAGGGC-3'
Protein context (NP_114432.2, residues 1077-1097): LKIDATLTRK[Asn1087Ser]HSEHPLCSEE

ClinVar aggregate classification (germline): Conflicting classifications of pathogenicity. Review status: criteria provided, conflicting classifications (1 of 4 stars). 6 submissions from 6 submitters: Uncertain significance (5); Likely benign (1). Last evaluated 2025-12-17.

Conditions:
Hereditary cancer-predisposing syndrome. Also called: Tumor predisposition; Hereditary Cancer Syndrome; Hereditary neoplastic syndrome; Neoplastic Syndromes, Hereditary. Identifiers: Orphanet 140162, MedGen C0027672, MeSH D009386, MONDO:0015356.
Familial cancer of breast. Also called: BREAST CANCER, FAMILIAL; hereditary breast carcinoma; Hereditary breast cancer. Identifiers: Orphanet 227535, MedGen C0346153, MONDO:0016419, OMIM 114480. Disease mechanism: loss of function.
Fanconi anemia complementation group J. Also called: BRIP1-Related Fanconi Anemia. Identifiers: Orphanet 84, MedGen C1836860, MONDO:0012187, OMIM 609054.

Allele frequency attached by ClinVar (database versions not stated): gnomAD 0.00001; TOPMed 0.00001.

Submissions (6):

Labcorp Genetics (formerly Invitae), Labcorp
Classification: Uncertain significance for Familial cancer of breast; Fanconi anemia complementation group J. Last evaluated: 2025-12-17. Review status: criteria provided, single submitter. Criteria: Invitae Variant Classification Sherloc (09022015). Collection method: clinical testing. Allele origin: germline.
Comment: This sequence change replaces asparagine, which is neutral and polar, with serine, which is neutral and polar, at codon 1087 of the BRIP1 protein (p.Asn1087Ser). This variant is not present in population databases (gnomAD no frequency). This missense change has been observed in individual(s) with ovarian cancer (PMID: 34326862). ClinVar contains an entry for this variant (Variation ID: 185240). Invitae Evidence Modeling of protein sequence and biophysical properties (such as structural, functional, and spatial information, amino acid conservation, physicochemical variation, residue mobility, and thermodynamic stability) indicates that this missense variant is not expected to disrupt BRIP1 protein function with a negative predictive value of 95%. In summary, the available evidence is currently insufficient to determine the role of this variant in disease. Therefore, it has been classified as a Variant of Uncertain Significance.

Women's Health and Genetics/Laboratory Corporation of America, LabCorp
Classification: Uncertain significance. Last evaluated: 2025-10-10. Review status: criteria provided, single submitter. Criteria: LabCorp Variant Classification Summary - May 2015. Collection method: clinical testing. Allele origin: germline.
Comment: Variant summary: BRIP1 c.3260A>G (p.Asn1087Ser) results in a conservative amino acid change in the encoded protein sequence. Algorithms developed to predict the effect of missense changes on protein structure and function all suggest that this variant is likely to be tolerated. The variant was absent in 250902 control chromosomes. The available data on variant occurrences in the general population are insufficient to allow any conclusion about variant significance. c.3260A>G has been observed in the presumed heterozygous state in at least 2 individual(s) affected with clinical features of ovarian cancer (example, Bhai_2021, Tung_2015), without strong evidence for causality. These report(s) do not provide unequivocal conclusions about association of the variant with BRIP1-related conditions. To our knowledge, no experimental evidence demonstrating an impact on protein function has been reported. The following publications have been ascertained in the context of this evaluation (PMID: 25186627, 34326862). ClinVar contains an entry for this variant (Variation ID: 185240). Based on the evidence outlined above, the variant was classified as uncertain significance.

Ambry Genetics
Classification: Likely benign for Hereditary cancer-predisposing syndrome. Last evaluated: 2025-03-05. Review status: criteria provided, single submitter. Criteria: Ambry Variant Classification Scheme 2023. Collection method: clinical testing. Allele origin: germline.

GeneDx
Classification: Uncertain significance. Last evaluated: 2024-11-17. Review status: criteria provided, single submitter. Criteria: GeneDx Variant Classification Process June 2021. Collection method: clinical testing. Allele origin: germline. Affected: yes.
Comment: Not observed at significant frequency in large population cohorts (gnomAD); In silico analysis indicates that this missense variant does not alter protein structure/function; This variant is associated with the following publications: (PMID: 25186627, 34326862)

Institute for Clinical Genetics, University Hospital TU Dresden, University Hospital TU Dresden
Classification: Uncertain significance. Last evaluated: 2021-11-03. Review status: criteria provided, single submitter. Criteria: ACMG Guidelines, 2015. Collection method: clinical testing. Allele origin: germline.

Color Diagnostics, LLC DBA Color Health
Classification: Uncertain significance for Hereditary cancer-predisposing syndrome. Last evaluated: 2019-02-27. Review status: criteria provided, single submitter. Criteria: ACMG Guidelines, 2015. Collection method: clinical testing. Allele origin: germline.

Literature cited by the submitters: PubMed 34326862 (cited by Labcorp Genetics (formerly Invitae), Labcorp and Women's Health and Genetics/Laboratory Corporation of America, LabCorp); PubMed 25186627 (cited by Women's Health and Genetics/Laboratory Corporation of America, LabCorp).